The following is an entry in ClinVar:

ClinVar aggregate classification (germline): Pathogenic. Review status: criteria provided, multiple submitters, no conflicts (2 of 4 stars). 2 submissions from 2 submitters: Pathogenic (2). Last evaluated 2025-04-28.

Conditions:
Myopia, high, with cataract and vitreoretinal degeneration (MCVD). Identifiers: MedGen C3280346, MONDO:0013670, OMIM 614292.

gnomAD v4.1: 25 of 1,613,142 alleles (0.0015%); highest among the groups gnomAD compares: East Asian, 0.0022%; no homozygotes.

Submissions (2):

Labcorp Genetics (formerly Invitae), Labcorp
Classification: Pathogenic. Last evaluated: 2025-04-28. Review status: criteria provided, single submitter. Criteria: Invitae Variant Classification Sherloc (09022015). Collection method: clinical testing. Allele origin: germline.
Comment: This sequence change creates a premature translational stop signal (p.Arg437*) in the P3H2 gene. It is expected to result in an absent or disrupted protein product. Loss-of-function variants in P3H2 are known to be pathogenic (PMID: 24172257, 25469533). This variant is present in population databases (no rsID available, gnomAD 0.002%). This variant has not been reported in the literature in individuals affected with P3H2-related conditions. ClinVar contains an entry for this variant (Variation ID: 1455362). For these reasons, this variant has been classified as Pathogenic.

Victorian Clinical Genetics Services, Murdoch Childrens Research Institute
Classification: Pathogenic for Myopia, high, with cataract and vitreoretinal degeneration. Last evaluated: 2024-10-09. Review status: criteria provided, single submitter. Criteria: ACMG Guidelines, 2015. Collection method: clinical testing. Allele origin: germline. Inheritance: Autosomal recessive inheritance. Affected: yes.
Comment: Based on the classification scheme VCGS_Germline_v1.3.4, this variant is classified as Pathogenic. Following criteria are met: 0102 - Loss of function is a known mechanism of disease in this gene and is associated with myopia, high, with cataract and vitreoretinal degeneration (MIM#614292). (I) 0106 - This gene is associated with autosomal recessive disease. (I) 0115 - Variants in this gene are known to have variable expressivity (PMID: 21885030). (I) 0201 - Variant is predicted to cause nonsense-mediated decay (NMD) and loss of protein (premature termination codon is located at least 54 nucleotides upstream of the final exon-exon junction). (SP) 0251 - This variant is heterozygous. (I) 0304 - Variant is present in gnomAD (v2) <0.01 for a recessive condition (2 heterozygotes, 0 homozygotes). (SP) 0701 - Many other NMD-predicted variants comparable to the one identified in this case have very strong previous evidence for pathogenicity (DECIPHER). (SP) 0803 - This variant has limited previous evidence of pathogenicity in an unrelated individual. This variant has been classified as pathogenic in ClinVar. (SP) 0905 - No published segregation evidence has been identified for this variant. (I) 1007 - No published functional evidence has been identified for this variant. (I) 1208 - Inheritance information for this variant is not currently available in this individual. (I) Legend: (SP) - Supporting pathogenic, (I) - Information, (SB) - Supporting benign

Literature cited by the submitters: PubMed 24172257 (cited by Labcorp Genetics (formerly Invitae), Labcorp); PubMed 25469533 (cited by Labcorp Genetics (formerly Invitae), Labcorp); PubMed 21885030 (cited by Victorian Clinical Genetics Services, Murdoch Childrens Research Institute).

NM_018192.4(P3H2):c.1309C>T (p.Arg437Ter)

Gene: P3H2 (prolyl 3-hydroxylase 2; minus strand). Cytogenetic location: 3q28.
Variant type: single nucleotide variant.
Coding change: c.1309C>T on transcript NM_018192.4 (MANE Select); coding-DNA position 1309, C replaced by T.
Protein change: p.Arg437Ter; replaces arginine 437 with a stop codon.
Molecular consequence: nonsense.
Genome position (GRCh38, 1-based): chr3:189,983,061, G>A on the plus strand (C>T on the coding strand, the complement: P3H2 is on the minus strand). VCF-style: chr3-189983061-G-A. GRCh37 (hg19) VCF-style: chr3-189700850-G-A.
Other names: c.766C>T, p.Arg256Ter (NM_001134418.2); c.1309C>T (NM_018192.3); short protein forms R437*, R256*.
Identifiers: ClinVar variation 1455362 (VCV001455362.7), dbSNP rs773586841, ClinGen allele CA355756146.
Genomic context (GRCh38, chr3:189,983,061, plus strand): 5'-TTCCCCTTCCCCTCCTTTATAGGGTAAAAGTGCACAGCTACTTACCTTCTCTTAGGTCTC[G>A]ATCTATCTTGGGTGATAGCTTTTTTCCCATTGAGAATCCATGAACTTCTGCTCCCTCTAC-3'